The following is an entry in ClinVar:

NM_005120.3(MED12):c.5826+5G>T

Gene: MED12 (mediator complex subunit 12; plus strand). Cytogenetic location: Xq13.1.
Variant type: single nucleotide variant.
Coding change: c.5826+5G>T on transcript NM_005120.3 (MANE Select); 5 bases into the intron after coding-DNA position 5826, G replaced by T.
Molecular consequence: intron variant.
Genome position (GRCh38, 1-based): chrX:71,137,640, G>T. VCF-style: chrX-71137640-G-T. GRCh37 (hg19) VCF-style: chrX-70357490-G-T.
Identifiers: ClinVar variation 5024228 (VCV005024228.1).
Genomic context (GRCh38, chrX:71,137,640, plus strand): 5'-AGTCATCTGTCCATCAGATGACTCCCAGCTCTTCCTACGGTTTGCAGACTTCCCAGGTAA[G>T]AGCCTGGGATTGTGAGACTAGGGGGATGAGGCAAGCTGCTCTGCATACTCTCGGCCCTGA-3'

ClinVar aggregate classification (germline): Uncertain significance (1 of 4 stars; one submission).

Conditions:
Familial thoracic aortic aneurysm and aortic dissection (TAAD). Also called: Thoracic aortic aneurysms and dissections. Identifiers: Orphanet 91387, MedGen C4707243, MONDO:0019625.

Submission:

Ambry Genetics
Classification: Uncertain significance for Familial thoracic aortic aneurysm and aortic dissection. Last evaluated: 2026-07-13. Review status: criteria provided, single submitter. Criteria: Ambry Variant Classification Scheme 2023. Collection method: clinical testing. Allele origin: germline.
Comment: The c.5826+5G>T intronic variant results from a G to T substitution 5 nucleotides after coding exon 40 in the MED12 gene. This nucleotide position is highly conserved in available vertebrate species. In silico splice site analysis predicts that this alteration will not have any significant effect on splicing. Based on the available evidence, the clinical significance of this variant remains unclear.